The following is an entry in ClinVar:

NM_006017.3(PROM1):c.245A>G (p.Lys82Arg)

Gene: PROM1 (prominin 1; minus strand). Cytogenetic location: 4p15.32.
Variant type: single nucleotide variant.
Coding change: c.245A>G on transcript NM_006017.3 (MANE Select); coding-DNA position 245, A replaced by G.
Protein change: p.Lys82Arg; replaces lysine 82 with arginine.
Molecular consequence: missense variant.
Genome position (GRCh38, 1-based): chr4:16,038,977, T>C on the plus strand (A>G on the coding strand, the complement: PROM1 is on the minus strand). VCF-style: chr4-16038977-T-C. GRCh37 (hg19) VCF-style: chr4-16040600-T-C.
Other names: c.245A>G, p.Lys82Arg (NM_001145847.2, NM_001145848.2, NM_001145849.2 and 6 more transcripts); short protein forms K82R.
Identifiers: ClinVar variation 1462895 (VCV001462895.8), dbSNP rs953508617, ClinGen allele CA92576831.

ClinVar aggregate classification (germline): Uncertain significance (1 of 4 stars; one submission).

Allele frequency attached by ClinVar (database versions not stated): gnomAD exomes below 0.00001; gnomAD 0.00001; TOPMed 0.00002.
gnomAD v4.1: 2 of 1,502,718 alleles (0.00013%); highest among the groups gnomAD compares: African/African-American, 0.0028%; no homozygotes.

Submission:

Labcorp Genetics (formerly Invitae), Labcorp
Classification: Uncertain significance. Last evaluated: 2025-01-13. Review status: criteria provided, single submitter. Criteria: Invitae Variant Classification Sherloc (09022015). Collection method: clinical testing. Allele origin: germline.
Comment: This sequence change replaces lysine, which is basic and polar, with arginine, which is basic and polar, at codon 82 of the PROM1 protein (p.Lys82Arg). This variant is not present in population databases (gnomAD no frequency). This variant has not been reported in the literature in individuals affected with PROM1-related conditions. ClinVar contains an entry for this variant (Variation ID: 1462895). Invitae Evidence Modeling of protein sequence and biophysical properties (such as structural, functional, and spatial information, amino acid conservation, physicochemical variation, residue mobility, and thermodynamic stability) indicates that this missense variant is not expected to disrupt PROM1 protein function with a negative predictive value of 80%. In summary, the available evidence is currently insufficient to determine the role of this variant in disease. Therefore, it has been classified as a Variant of Uncertain Significance.